The following is an entry in ClinVar:

NM_001134831.2(AHI1):c.3192G>A (p.Ala1064=)

Gene: AHI1 (Abelson helper integration site 1; minus strand). Cytogenetic location: 6q23.3.
Variant type: single nucleotide variant.
Coding change: c.3192G>A on transcript NM_001134831.2 (MANE Select); coding-DNA position 3192, G replaced by A.
Protein change: p.Ala1064=; no amino-acid change (alanine 1064 retained).
Molecular consequence: synonymous variant.
Genome position (GRCh38, 1-based): chr6:135,323,298, C>T on the plus strand (G>A on the coding strand, the complement: AHI1 is on the minus strand). VCF-style: chr6-135323298-C-T. GRCh37 (hg19) VCF-style: chr6-135644436-C-T.
Other names: c.3192G>A, p.Ala1064= (NM_001134830.2, NM_001350503.2, NM_001350504.2 and 1 more transcripts).
Identifiers: ClinVar variation 668677 (VCV000668677.36), dbSNP rs371494868, ClinGen allele CA4012078.

ClinVar aggregate classification (germline): Likely benign. Review status: criteria provided, multiple submitters, no conflicts (2 of 4 stars). 5 submissions from 5 submitters: Likely benign (5). Last evaluated 2026-01-28.

Conditions:
Joubert syndrome. Also called: Familial aplasia of the vermis; JOUBERT-BOLTSHAUSER SYNDROME. Identifiers: Orphanet 475, MedGen C5979921, MONDO:0018772.

Allele frequency attached by ClinVar (database versions not stated): gnomAD exomes 0.00003 and 0.00005; ExAC 0.00004; gnomAD 0.00004 and 0.00005; TOPMed 0.00007; ESP Exome Variant Server 0.00016.
gnomAD v4.1: 61 of 1,613,396 alleles (0.0038%); highest among the groups gnomAD compares: Middle Eastern, 0.099%; 1 homozygote.

Submissions (5):

Labcorp Genetics (formerly Invitae), Labcorp
Classification: Likely benign for Joubert syndrome. Last evaluated: 2026-01-28. Review status: criteria provided, single submitter. Criteria: Invitae Variant Classification Sherloc (09022015). Collection method: clinical testing. Allele origin: germline.

CeGaT Center for Human Genetics Tuebingen
Classification: Likely benign. Last evaluated: 2023-03-01. Review status: criteria provided, single submitter. Criteria: CeGaT Center For Human Genetics Tuebingen Variant Classification Criteria Version 2. Collection method: clinical testing. Allele origin: germline. Affected: yes. Observed: 1 variant allele.
Comment: AHI1: BP4, BP7

Blueprint Genetics
Classification: Likely benign. Last evaluated: 2022-12-22. Review status: criteria provided, single submitter. Criteria: ACMG Guidelines, 2015. Collection method: clinical testing. Allele origin: germline.

GeneDx
Classification: Likely benign. Last evaluated: 2018-05-23. Review status: criteria provided, single submitter. Criteria: GeneDx Variant Classification (06012015). Collection method: clinical testing. Allele origin: germline. Affected: yes.
Comment: This variant is considered likely benign or benign based on one or more of the following criteria: it is a conservative change, it occurs at a poorly conserved position in the protein, it is predicted to be benign by multiple in silico algorithms, and/or has population frequency not consistent with disease.

Breakthrough Genomics
Classification: Likely benign. Review status: criteria provided, single submitter. Criteria: ACMG Guidelines, 2015. Collection method: not provided. Allele origin: germline. Inheritance: Autosomal recessive inheritance. Affected: yes.